The following is an entry in ClinVar:

ClinVar aggregate classification (germline): Likely benign. Review status: criteria provided, multiple submitters, no conflicts (2 of 4 stars). 3 submissions from 3 submitters: Likely benign (3). Last evaluated 2025-12-31.

Conditions:
Occult macular dystrophy (OCMD). Also called: OCCULT MACULAR DYSTROPHY, SUSCEPTIBILITY TO; OMD. Identifiers: Orphanet 247834, MedGen C3150833, MONDO:0013316, OMIM 613587, HP:0030636.
RP1L1-related disorder. Also called: RP1L1-related condition.

Allele frequency attached by ClinVar (database versions not stated): gnomAD exomes 0.00004 and 0.00012; gnomAD 0.00007 and 0.00009; ExAC 0.00008; TOPMed 0.00009.
gnomAD v4.1: 66 of 1,602,232 alleles (0.0041%); highest among the groups gnomAD compares: Admixed American, 0.052%; no homozygotes.

Submissions (3):

PreventionGenetics, part of Exact Sciences
Classification: Likely benign for RP1L1-related condition. Last evaluated: 2025-12-31. Review status: criteria provided, single submitter. Criteria: ACMG Guidelines, 2015. Collection method: clinical testing. Allele origin: germline.
Comment: This variant is classified as likely benign based on ACMG/AMP sequence variant interpretation guidelines (Richards et al. 2015 PMID: 25741868, with internal and published modifications).

Blueprint Genetics
Classification: Likely benign. Last evaluated: 2024-11-07. Review status: criteria provided, single submitter. Criteria: ACMG Guidelines, 2015. Collection method: clinical testing. Allele origin: germline.

Illumina Laboratory Services, Illumina
Classification: Likely benign for Occult macular dystrophy. Last evaluated: 2018-01-13. Review status: criteria provided, single submitter. Criteria: ICSL Variant Classification Criteria 13 December 2019. Collection method: clinical testing. Allele origin: germline.
Comment: This variant was observed in the ICSL laboratory as part of a predisposition screen in an ostensibly healthy population. It had not been previously curated by ICSL or reported in the Human Gene Mutation Database (HGMD: prior to June 1st, 2018), and was therefore a candidate for classification through an automated scoring system. Utilizing variant allele frequency, disease prevalence and penetrance estimates, and inheritance mode, an automated score was calculated to assess if this variant is too frequent to cause the disease. Based on the score and internal cut-off values, a variant classified as likely benign is not then subjected to further curation. The score for this variant resulted in a classification of likely benign for this disease.

NM_178857.6(RP1L1):c.4542C>T (p.Cys1514=)

Gene: RP1L1 (RP1 like 1). Cytogenetic location: 8p23.1.
Variant type: single nucleotide variant.
Coding change: c.4542C>T on transcript NM_178857.6 (MANE Select); coding-DNA position 4542, C replaced by T.
Protein change: p.Cys1514=; no amino-acid change (cysteine 1514 retained).
Molecular consequence: synonymous variant.
Genome position (GRCh38, 1-based): chr8:10,609,556, G>A on the plus strand (C>T on the coding strand, the complement: RP1L1 is on the minus strand). VCF-style: chr8-10609556-G-A. GRCh37 (hg19) VCF-style: chr8-10467066-G-A.
Identifiers: ClinVar variation 361274 (VCV000361274.7), dbSNP rs773430949, ClinGen allele CA4623985.